The following is an entry in ClinVar:

ClinVar aggregate classification (germline): Pathogenic/Likely pathogenic. Review status: criteria provided, multiple submitters, no conflicts (2 of 4 stars). 3 submissions from 3 submitters: Pathogenic (1); Likely pathogenic (2). Last evaluated 2025-04-17.

Conditions:
IFT172-related disorder. Also called: IFT172-related disorders; IFT172-related condition.
Short-rib thoracic dysplasia 10 with or without polydactyly (SRTD10). Identifiers: Orphanet 474, MedGen C3810175, MONDO:0014284, OMIM 615630.
Retinitis pigmentosa 71 (RP71). Identifiers: Orphanet 791, MedGen C4225342, MONDO:0014618, OMIM 616394.

Allele frequency attached by ClinVar (database versions not stated): gnomAD below 0.00001 and 0.00001; ExAC 0.00001; gnomAD exomes 0.00001; TOPMed 0.00002.
gnomAD v4.1: 15 of 1,613,996 alleles (0.00093%); highest among the groups gnomAD compares: South Asian, 0.0044%; no homozygotes.

Submissions (3):

Labcorp Genetics (formerly Invitae), Labcorp
Classification: Pathogenic for Retinitis pigmentosa 71; Short-rib thoracic dysplasia 10 with or without polydactyly. Last evaluated: 2025-04-17. Review status: criteria provided, single submitter. Criteria: Invitae Variant Classification Sherloc (09022015). Collection method: clinical testing. Allele origin: germline.
Comment: This sequence change creates a premature translational stop signal (p.Arg346*) in the IFT172 gene. It is expected to result in an absent or disrupted protein product. Loss-of-function variants in IFT172 are known to be pathogenic (PMID: 24140113). This variant is present in population databases (rs201862538, gnomAD 0.003%). This premature translational stop signal has been observed in individual(s) with inherited retinal disease (PMID: 31964843). ClinVar contains an entry for this variant (Variation ID: 392954). For these reasons, this variant has been classified as Pathogenic.

Blueprint Genetics
Classification: Likely pathogenic for IFT172-related disorders. Last evaluated: 2022-09-08. Review status: criteria provided, single submitter. Criteria: ACMG Guidelines, 2015. Collection method: clinical testing. Allele origin: germline. Affected: yes. Observed: 1 variant allele.

GeneDx
Classification: Likely pathogenic. Last evaluated: 2017-01-19. Review status: criteria provided, single submitter. Criteria: GeneDx Variant Classification (06012015). Collection method: clinical testing. Allele origin: germline. Affected: yes.
Comment: An R346X variant that is likely pathogenic has been identified in the IFT172 gene. The R346X variant has not been published as a pathogenic variant, nor has it been reported as a benign variant to our knowledge. The R346X variant is not observed at a significant frequency in large population cohorts (Lek et al., 2016; 1000 Genomes Consortium et al., 2015; Exome Variant Server). The R346X nonsense variant is predicted to cause loss of normal protein function either through protein truncation or nonsense-mediated mRNA decay. Therefore, this variant is likely pathogenic; however, the possibility that it is benign cannot be excluded.

Literature cited by the submitters: PubMed 24140113 (cited by Labcorp Genetics (formerly Invitae), Labcorp); PubMed 31964843 (cited by Labcorp Genetics (formerly Invitae), Labcorp).

NM_015662.3(IFT172):c.1036C>T (p.Arg346Ter)

Gene: IFT172 (intraflagellar transport 172; minus strand). Cytogenetic location: 2p23.3.
Variant type: single nucleotide variant.
Coding change: c.1036C>T on transcript NM_015662.3 (MANE Select); coding-DNA position 1036, C replaced by T.
Protein change: p.Arg346Ter; replaces arginine 346 with a stop codon.
Molecular consequence: nonsense.
Genome position (GRCh38, 1-based): chr2:27,478,126, G>A on the plus strand (C>T on the coding strand, the complement: IFT172 is on the minus strand). VCF-style: chr2-27478126-G-A. GRCh37 (hg19) VCF-style: chr2-27700993-G-A.
Other names: short protein forms R346*.
Identifiers: ClinVar variation 392954 (VCV000392954.8), dbSNP rs201862538, ClinGen allele CA1580787.